The following is an entry in ClinVar:

NM_031448.6(C19orf12):c.214C>T (p.Pro72Ser)

Gene: C19orf12 (chromosome 19 open reading frame 12; minus strand). Cytogenetic location: 19q12.
Variant type: single nucleotide variant.
Coding change: c.214C>T on transcript NM_031448.6 (MANE Select); coding-DNA position 214, C replaced by T.
Protein change: p.Pro72Ser; replaces proline 72 with serine.
Molecular consequence: missense variant.
Genome position (GRCh38, 1-based): chr19:29,702,924, G>A on the plus strand (C>T on the coding strand, the complement: C19orf12 is on the minus strand). VCF-style: chr19-29702924-G-A. GRCh37 (hg19) VCF-style: chr19-30193831-G-A.
Other names: c.214C>T, p.Pro72Ser (NM_001031726.4, NM_001256046.3, NM_001256047.2); c.22C>T, p.Pro8Ser (NM_001282929.1, NM_001282930.3, NM_001282931.3); short protein forms P72S, P8S.
Identifiers: ClinVar variation 1335335 (VCV001335335.40), dbSNP rs1487944357, ClinGen allele CA405143263.

ClinVar aggregate classification (germline): Uncertain significance. Review status: criteria provided, multiple submitters, no conflicts (2 of 4 stars). 2 submissions from 2 submitters: Uncertain significance (2). Last evaluated 2024-06-08.

Conditions:
Hereditary spastic paraplegia 43. Also called: Spastic paraplegia 43, autosomal recessive. Identifiers: Orphanet 320370, MedGen C2680446, MONDO:0014024, OMIM 615043.

Allele frequency attached by ClinVar (database versions not stated): gnomAD exomes 0.00001 and 0.00002.

Submissions (2):

Labcorp Genetics (formerly Invitae), Labcorp
Classification: Uncertain significance for Hereditary spastic paraplegia 43. Last evaluated: 2024-06-08. Review status: criteria provided, single submitter. Criteria: Invitae Variant Classification Sherloc (09022015). Collection method: clinical testing. Allele origin: germline.
Comment: This sequence change replaces proline, which is neutral and non-polar, with serine, which is neutral and polar, at codon 83 of the C19orf12 protein (p.Pro83Ser). This variant is present in population databases (no rsID available, gnomAD 0.002%). This variant has not been reported in the literature in individuals affected with C19orf12-related conditions. ClinVar contains an entry for this variant (Variation ID: 1335335). An algorithm developed to predict the effect of missense changes on protein structure and function (PolyPhen-2) suggests that this variant is likely to be disruptive. This variant disrupts the p.Pro83 amino acid residue in C19orf12. Other variant(s) that disrupt this residue have been determined to be pathogenic (PMID: 23269600, 26187298). This suggests that this residue is clinically significant, and that variants that disrupt this residue are likely to be disease-causing. In summary, the available evidence is currently insufficient to determine the role of this variant in disease. Therefore, it has been classified as a Variant of Uncertain Significance.

CeGaT Center for Human Genetics Tuebingen
Classification: Uncertain significance. Last evaluated: 2021-12-01. Review status: criteria provided, single submitter. Criteria: CeGaT Center For Human Genetics Tuebingen Variant Classification Criteria Version 2. Collection method: clinical testing. Allele origin: germline. Affected: yes. Observed: 1 variant allele.

Literature cited by the submitters: PubMed 23269600 (cited by Labcorp Genetics (formerly Invitae), Labcorp); PubMed 26187298 (cited by Labcorp Genetics (formerly Invitae), Labcorp).